The following is an entry in ClinVar:

NM_002224.4(ITPR3):c.4597+9G>C

Gene: ITPR3 (inositol 1,4,5-trisphosphate receptor type 3; plus strand). Cytogenetic location: 6p21.31.
Variant type: single nucleotide variant.
Coding change: c.4597+9G>C on transcript NM_002224.4 (MANE Select); 9 bases into the intron after coding-DNA position 4597, G replaced by C.
Molecular consequence: intron variant.
Genome position (GRCh38, 1-based): chr6:33,682,653, G>C. VCF-style: chr6-33682653-G-C. GRCh37 (hg19) VCF-style: chr6-33650430-G-C.
Other names: c.4597+9G>C (NM_002224.3).
Identifiers: ClinVar variation 1293572 (VCV001293572.4), dbSNP rs2296331, ClinGen allele CA3761290.

ClinVar aggregate classification (germline): Benign. Review status: criteria provided, single submitter (1 of 4 stars). 2 submissions from 2 submitters: Benign (1). 1 of the submissions does not count toward it. Last evaluated 2021-05-12.

Conditions:
ITPR3-related disorder. Also called: ITPR3-related condition.

Allele frequency attached by ClinVar (database versions not stated): gnomAD exomes 0.19256 and 0.21498; 1000 Genomes Project 30x 0.19441; 1000 Genomes Project 0.19549; ExAC 0.19805; gnomAD 0.22990 and 0.23541; ESP Exome Variant Server 0.23411; TOPMed 0.23953.
gnomAD v4.1: 344,129 of 1,589,652 alleles (22%); highest among the groups gnomAD compares: African/African-American, 28%; 38,891 homozygotes.

Submissions (2):

GeneDx
Classification: Benign. Last evaluated: 2021-05-12. Review status: criteria provided, single submitter. Criteria: GeneDx Variant Classification Process June 2021. Collection method: clinical testing. Allele origin: germline. Affected: yes.

PreventionGenetics, part of Exact Sciences
Classification: Benign for ITPR3-related condition. Last evaluated: 2019-10-28. Review status: no assertion criteria provided. Collection method: clinical testing. Allele origin: germline. Not counted in ClinVar's aggregate classification.
Comment: This variant is classified as benign based on ACMG/AMP sequence variant interpretation guidelines (Richards et al. 2015 PMID: 25741868, with internal and published modifications).